The following is an entry in ClinVar:

NM_006514.4(SCN10A):c.4866_4878delinsCATCTTCATCTACTCCA (p.Gly1625fs)

Gene: SCN10A (sodium voltage-gated channel alpha subunit 10; minus strand). Cytogenetic location: 3p22.2.
Variant type: Indel.
Coding change: c.4866_4878delinsCATCTTCATCTACTCCA on transcript NM_006514.4 (MANE Select); coding-DNA positions 4866 to 4878, TATCTTCGGTATG replaced by CATCTTCATCTACTCCA.
Protein change: p.Gly1625fs; shifts the reading frame from glycine 1625.
Molecular consequence: frameshift variant.
Genome position (GRCh38, 1-based): chr3:38,698,342-38,698,354, CATACCGAAGATA replaced by TGGAGTAGATGAAGATG on the plus strand (TATCTTCGGTATG replaced by CATCTTCATCTACTCCA on the coding strand, the reverse complement: SCN10A is on the minus strand). VCF-style: chr3-38698342-CATACCGAAGATA-TGGAGTAGATGAAGATG. GRCh37 (hg19) VCF-style: chr3-38739833-CATACCGAAGATA-TGGAGTAGATGAAGATG.
Other names: c.4863_4875delinsCATCTTCATCTACTCCA, p.Gly1624fs (NM_001293306.2); c.4572_4584delinsCATCTTCATCTACTCCA, p.Gly1527fs (NM_001293307.2); short protein forms G1624fs, G1527fs, G1625fs.
Identifiers: ClinVar variation 4841926 (VCV004841926.1).

ClinVar aggregate classification (germline): Uncertain significance (1 of 4 stars; one submission).

Conditions:
Cardiovascular phenotype. Identifiers: MedGen CN230736.

Submission:

Ambry Genetics
Classification: Uncertain significance for Cardiovascular phenotype. Last evaluated: 2025-12-17. Review status: criteria provided, single submitter. Criteria: Ambry Variant Classification Scheme 2023. Collection method: clinical testing. Allele origin: germline.
Comment: The c.4866_4878del13ins17 variant, located in coding exon 27 of the SCN10A gene, results from the deletion of 13 nucleotides and insertion of 17 nucleotides causing a translational frameshift with a predicted alternate stop codon (p.G1625Ifs*56). The evidence for this gene-disease relationship is limited; therefore, the clinical significance of this alteration is unclear.